The following is an entry in ClinVar:

NC_000011.9:g.(?_57471510)_(57564464_?)del

Genes: BTBD18 (BTB domain containing 18; minus strand), CTNND1 (catenin delta 1; plus strand), MED19 (mediator complex subunit 19; minus strand), SELENOH (selenoprotein H; plus strand), TMX2 (thioredoxin related transmembrane protein 2; plus strand). Cytogenetic location: 11q12.1.
Variant type: Deletion.
Identifiers: ClinVar variation 1074254 (VCV001074254.5).

ClinVar aggregate classification (germline): Pathogenic (1 of 4 stars; one submission).

Submission:

Labcorp Genetics (formerly Invitae), Labcorp
Classification: Pathogenic. Last evaluated: 2018-04-24. Review status: criteria provided, single submitter. Criteria: Invitae Variant Classification Sherloc (09022015). Collection method: clinical testing. Allele origin: germline.
Comment: This variant is a gross deletion of the genomic region encompassing exons 1-6 of the CTNND1 gene, which includes the initiator codon. The 5' end of this event is unknown as it extends beyond the assayed region for this gene and therefore may encompass additional genes. The 3' boundary is likely confined to intron 6 of the CTNND1 gene. This is expected to result in an absent or disrupted protein product. Deletion of exons 1-6 has not been reported in the literature in individuals with CTNND1-related disease. Loss-of-function variants in CTNND1 are known to be pathogenic (PMID: 28301459). For these reasons, this variant has been classified as Pathogenic.

Literature cited by the submitters: PubMed 28301459.